The following is an entry in ClinVar:

ClinVar aggregate classification (germline): Pathogenic (1 of 4 stars; one submission).

Conditions:
Inborn genetic diseases. Identifiers: MedGen C0950123, MeSH D030342.

Submission:

Ambry Genetics
Classification: Pathogenic for Inborn genetic diseases. Last evaluated: 2025-07-16. Review status: criteria provided, single submitter. Criteria: Ambry Variant Classification Scheme 2023. Collection method: clinical testing. Allele origin: germline.
Comment: The c.2971G>T (p.G991*) alteration, located in exon 21 (coding exon 20) of the SPTAN1 gene, consists of a G to T substitution at nucleotide position 2971. This changes the amino acid from a glycine (G) to a stop codon at amino acid position 991. This alteration is expected to result in loss of function by premature protein truncation or nonsense-mediated mRNA decay. for autosomal dominant SPTAN1-related neurologic disorders; however, its clinical significance for SPTAN1-related developmental and epileptic encephalopathy is uncertain. This variant was not reported in population-based cohorts in the Genome Aggregation Database (gnomAD). Based on the available evidence, this alteration is classified as pathogenic.

NM_001130438.3(SPTAN1):c.2971G>T (p.Gly991Ter)

Gene: SPTAN1 (spectrin alpha, non-erythrocytic 1; plus strand). Cytogenetic location: 9q34.11.
Variant type: single nucleotide variant.
Coding change: c.2971G>T on transcript NM_001130438.3 (MANE Select); coding-DNA position 2971, G replaced by T.
Protein change: p.Gly991Ter; replaces glycine 991 with a stop codon.
Molecular consequence: nonsense.
Genome position (GRCh38, 1-based): chr9:128,588,908, G>T. VCF-style: chr9-128588908-G-T. GRCh37 (hg19) VCF-style: chr9-131351187-G-T.
Other names: c.2971G>T, p.Gly991Ter (NM_001438441.1, NM_001438442.1, NM_001438443.1 and 10 more transcripts); c.3007G>T, p.Gly1003Ter (NM_001375312.2, NM_001375318.1, NM_001438440.1); short protein forms G1003*, G991*.
Identifiers: ClinVar variation 4174235 (VCV004174235.1).